The following is an entry in ClinVar:

ClinVar aggregate classification (germline): Pathogenic. Review status: criteria provided, multiple submitters, no conflicts (2 of 4 stars). 6 submissions from 6 submitters: Pathogenic (4). 2 of the submissions do not count toward it. Last evaluated 2024-11-13.

Conditions:
Cardiovascular phenotype. Identifiers: MedGen CN230736.
Familial long QT syndrome (RWS). Also called: Romano-Ward syndrome; VENTRICULAR FIBRILLATION WITH PROLONGED QT INTERVAL; Congenital long QT syndrome. Identifiers: Orphanet 768, MedGen C1141890, MONDO:0019171.
Long QT syndrome 1 (LQT1). Identifiers: Orphanet 101016, Orphanet 768, MedGen C4551647, MONDO:0100316, OMIM 192500, MONDO:0008646.

Submissions (6):

Molecular Diagnostic Laboratory for Inherited Cardiovascular Disease, Montreal Heart Institute
Classification: Pathogenic for Cardiovascular phenotype. Last evaluated: 2024-11-13. Review status: criteria provided, single submitter. Criteria: ACMG Guidelines, 2015. Collection method: clinical testing. Allele origin: germline. Affected: yes.
Comment: PS1, PS3, PM1_strong, PS4_mod, PM2, PP2, PP3

Clinical Genetics Laboratory, Region Ostergotland
Classification: Pathogenic for Long QT syndrome 1. Last evaluated: 2024-09-26. Review status: criteria provided, single submitter. Criteria: ACMG Guidelines, 2015. Collection method: clinical testing. Allele origin: germline. Affected: yes.
Comment: The following ACMG/AMP criteria were applied in classifying this variant: PM2, PS3, PS4, PP3_Strong

GeneDx
Classification: Pathogenic. Last evaluated: 2021-08-03. Review status: criteria provided, single submitter. Criteria: GeneDx Variant Classification Process June 2021. Collection method: clinical testing. Allele origin: germline. Affected: yes.
Comment: Has been reported in association with LQTS in published literature (Wang et al., 1996; Kapplinger et al., 2009; Itoh et al., 2016), and in individuals referred for LQTS testing at GeneDx.; Not observed at significant frequency in large population cohorts (Lek et al., 2016); Published functional studies demonstrate G306R results in a reduction of the channel current by a dominant-negative effect (Wang et al., 1999; Li et al., 2001).; In silico analysis supports that this missense variant has a deleterious effect on protein structure/function; This variant is associated with the following publications: (PMID: 22456477, 19815527, 19716085, 11351021, 15234419, 17470695, 19490272, 26669661, 17999538, 26633542, 14678125, 25649125, 8528244, 10376919)

Victorian Clinical Genetics Services, Murdoch Childrens Research Institute
Classification: Pathogenic for Long QT syndrome 1. Last evaluated: 2020-10-19. Review status: criteria provided, single submitter. Criteria: ACMG Guidelines, 2015. Collection method: clinical testing. Allele origin: germline. Affected: yes.
Comment: Based on the classification scheme VCGS_Germline_v1.1.1, this variant is classified as Pathogenic. Following criteria are met: 0103 - Both loss- and gain-of-function are known mechanisms of disease for this gene. Gain of function mutations result exclusively in Short QT syndrome, while loss of function mutations cause Long QT syndrome (LQTS), atrial fibrillation and Jervell and Lange-Nielson syndrome (JLNS) (OMIM, PMID: 19632626, PMID: 28438721). (N) 0104 - Dominant Negative is a mechanism of disease for this gene. (N) 0108 - This gene is known to be associated with both recessive and dominant disease. JLNS is a more severe form of LQTS, and is the only condition caused by biallelic mutations (PMID: 28438721). (N) 0112 - Variants in this gene are known to have reduced penetrance (GeneReviews, OMIM). These variants are likely to cause Long QT syndrome or atrial fibrillation. (N) 0200 - Variant is predicted to result in a missense amino acid change from glycine to arginine (exon 6). (N) 0251 - Variant is heterozygous. (N) 0301 - Variant is absent from gnomAD. (P) 0501 - Missense variant consistently predicted to be damaging by multiple in silico tools or highly conserved with a major amino acid change. (P) 0600 - Variant is located in an annotated domain or motif, (pore forming H5 segment of the ion transporter domain; PDB, NCBI). (N) 0704 - Comparable variant has low previous evidence for pathogenicity. An alternative missense change at the same residue (p.Gly306Val) has been reported as pathogenic, and in patients with LQTS (LOVD, PMID: 12442276). (P) 0801 - Strong previous evidence of pathogenicity in unrelated individuals. This variant has been classified as pathogenic, and reported in multiple patients with LQTS (ClinVar, LOVD, PMID: 14678125, PMID: 22727609). (P) 1208 - Inheritance information for this variant is not currently available. (N) Legend: (P) - Pathogenic, (N) - Neutral, (B) - Benign

OMIM
Classification: Pathogenic for LONG QT SYNDROME 1. Last evaluated: 1996-01-01. Review status: no assertion criteria provided. Collection method: literature only. Allele origin: germline. Not counted in ClinVar's aggregate classification.

Cardiovascular Biomedical Research Unit, Royal Brompton & Harefield NHS Foundation Trust
No classification provided. Condition: Familial long QT syndrome. Review status: no classification provided. Collection method: literature only. Allele origin: germline. Not counted in ClinVar's aggregate classification.
Comment: This variant has been reported as associated with Long QT syndrome in the following publications (PMID:10376919;PMID:8528244;PMID:19716085;PMID:14678125;PMID:15234419;PMID:17470695;PMID:11351021). This is a literature report, and does not necessarily reflect the clinical interpretation of the Imperial College / Royal Brompton Cardiovascular Genetics laboratory.

Literature cited by the submitters: PubMed 12442276 (cited by Victorian Clinical Genetics Services, Murdoch Childrens Research Institute); PubMed 14678125 (cited by Victorian Clinical Genetics Services, Murdoch Childrens Research Institute and Cardiovascular Biomedical Research Unit, Royal Brompton & Harefield NHS Foundation Trust); PubMed 19632626 (cited by Victorian Clinical Genetics Services, Murdoch Childrens Research Institute); PubMed 22727609 (cited by Victorian Clinical Genetics Services, Murdoch Childrens Research Institute); PubMed 28438721 (cited by Victorian Clinical Genetics Services, Murdoch Childrens Research Institute); PubMed 8528244 (cited by OMIM and Cardiovascular Biomedical Research Unit, Royal Brompton & Harefield NHS Foundation Trust); PubMed 10376919 (cited by Cardiovascular Biomedical Research Unit, Royal Brompton & Harefield NHS Foundation Trust); PubMed 19716085 (cited by Cardiovascular Biomedical Research Unit, Royal Brompton & Harefield NHS Foundation Trust); PubMed 15234419 (cited by Cardiovascular Biomedical Research Unit, Royal Brompton & Harefield NHS Foundation Trust); PubMed 17470695 (cited by Cardiovascular Biomedical Research Unit, Royal Brompton & Harefield NHS Foundation Trust); PubMed 11351021 (cited by Cardiovascular Biomedical Research Unit, Royal Brompton & Harefield NHS Foundation Trust); PubMed 22581653 (cited by Cardiovascular Biomedical Research Unit, Royal Brompton & Harefield NHS Foundation Trust).

NM_000218.3(KCNQ1):c.916G>A (p.Gly306Arg)

Gene: KCNQ1 (potassium voltage-gated channel subfamily Q member 1; plus strand). Cytogenetic location: 11p15.5.
Variant type: single nucleotide variant.
Coding change: c.916G>A on transcript NM_000218.3 (MANE Select); coding-DNA position 916, G replaced by A.
Protein change: p.Gly306Arg; replaces glycine 306 with arginine.
Molecular consequence: missense variant.
Genome position (GRCh38, 1-based): chr11:2,572,981, G>A. VCF-style: chr11-2572981-G-A. GRCh37 (hg19) VCF-style: chr11-2594211-G-A.
Other names: p.G306R:GGG>AGG; c.916G>A (LRG_287t1); c.916G>A, p.Gly306Arg (NM_001406836.1); c.646G>A, p.Gly216Arg (NM_001406837.1); c.535G>A, p.Gly179Arg (NM_181798.2); short protein forms G306R, G179R, G216R.
Identifiers: ClinVar variation 3115 (VCV000003115.9), dbSNP rs120074181, ClinGen allele CA008634.